The following is an entry in ClinVar:

GRCh38/hg38 11p15.5-15.4(chr11:196966-3377077)x3

Genes: LRRC56 (leucine rich repeat containing 56; plus strand), LSP1 (lymphocyte specific protein 1; plus strand), MIR210 (microRNA 210; minus strand), MIR210HG (MIR210 host gene; minus strand), MIR4298 (microRNA 4298; minus strand) and 268 more. Cytogenetic location: 11p15.5-15.4.
Variant type: copy number gain.
Change: copy number 3 (three copies instead of two) of chr11:196,966-3,377,077 (3.18 Mb, GRCh38 coordinates, 1-based), cytogenetic band 11p15.5-15.4.
Identifiers: ClinVar variation 57274 (VCV000057274.1).

ClinVar aggregate classification (germline): Pathogenic (1 of 4 stars; one submission).

Submission:

ISCA site 4
Classification: Pathogenic. Last evaluated: 2011-08-12. Review status: criteria provided, single submitter. Criteria: Kaminsky et al. (Genet Med. 2011). Collection method: clinical testing. Allele origin: de novo. Affected: yes. Observed: 1 variant allele.
Comment: Copy number variation identified through the course of routine clinical cytogenomic testing in postnatal populations. Clinical assertions have been curated as described in Kaminsky et al. 2011.